The following is an entry in ClinVar:

ClinVar aggregate classification (germline): Uncertain significance. Review status: criteria provided, multiple submitters, no conflicts (2 of 4 stars). 2 submissions from 2 submitters: Uncertain significance (2). Last evaluated 2024-03-01.

Submissions (2):

Blueprint Genetics
Classification: Uncertain significance. Last evaluated: 2024-03-01. Review status: criteria provided, single submitter. Criteria: ACMG Guidelines, 2015. Collection method: clinical testing. Allele origin: germline.

CeGaT Center for Human Genetics Tuebingen
Classification: Uncertain significance. Last evaluated: 2023-09-01. Review status: criteria provided, single submitter. Criteria: CeGaT Center For Human Genetics Tuebingen Variant Classification Criteria Version 2. Collection method: clinical testing. Allele origin: germline. Affected: yes. Observed: 2 variant alleles.
Comment: PHF8: PM2, PP2

NM_015107.3(PHF8):c.1327A>G (p.Ile443Val)

Gene: PHF8 (PHD finger protein 8; minus strand). Cytogenetic location: Xp11.22.
Variant type: single nucleotide variant.
Coding change: c.1327A>G on transcript NM_015107.3 (MANE Select); coding-DNA position 1327, A replaced by G.
Protein change: p.Ile443Val; replaces isoleucine 443 with valine.
Molecular consequence: missense variant. On other transcripts: intron variant (1).
Genome position (GRCh38, 1-based): chrX:53,993,900, T>C on the plus strand (A>G on the coding strand, the complement: PHF8 is on the minus strand). VCF-style: chrX-53993900-T-C. GRCh37 (hg19) VCF-style: chrX-54020333-T-C.
Other names: c.1435A>G, p.Ile479Val (NM_001184896.1); c.1327A>G, p.Ile443Val (NM_001184898.2); c.1324-1061A>G (NM_001184897.2); short protein forms I443V, I479V.
Identifiers: ClinVar variation 2660648 (VCV002660648.25), dbSNP rs2519571710, ClinGen allele CA413258507.